The following is an entry in ClinVar:

NM_018122.5(DARS2):c.228-21_228-20delinsC

Gene: DARS2 (aspartyl-tRNA synthetase 2, mitochondrial; plus strand). Cytogenetic location: 1q25.1.
Variant type: Indel.
Coding change: c.228-21_228-20delinsC on transcript NM_018122.5 (MANE Select); 21 bases into the intron before coding-DNA position 228 through 20 bases into the intron before coding-DNA position 228, TT replaced by C.
Molecular consequence: intron variant.
Genome position (GRCh38, 1-based): chr1:173,828,312-173,828,313, TT replaced by C. VCF-style: chr1-173828312-TT-C. GRCh37 (hg19) VCF-style: chr1-173797450-TT-C.
Other names: c.228-21_228-20delinsC (NM_001365212.1, NM_001365213.2); c.228-21_228-20delTTinsC (NM_018122.5).
Identifiers: ClinVar variation 1057 (VCV000001057.14), dbSNP rs1553201258, ClinGen allele CA339865.

ClinVar aggregate classification (germline): Pathogenic. Review status: criteria provided, multiple submitters, no conflicts (2 of 4 stars). 10 submissions from 8 submitters: Pathogenic (8). 2 of the submissions do not count toward it. Last evaluated 2026-01-26.

Conditions:
Impaired vibration sensation in the lower limbs. Identifiers: MedGen C1849134, HP:0002166.
Cerebral cortical atrophy. Identifiers: MedGen C4551583, HP:0002120.
Clubfoot. Also called: CLUBFOOT, CONGENITAL, WITH OR WITHOUT DEFICIENCY OF LONG BONES AND/OR MIRROR-IMAGE POLYDACTYLY; congenital talipes equinovarus; Club foot; Talipes equinovarus; Clubfeet. Identifiers: Orphanet 199315, MedGen C0009081, MONDO:0007342, OMIM 119800, HP:0001762.
CNS demyelination. Identifiers: MedGen C0338474, HP:0007305.
Gout. Identifiers: MedGen C0018099, MONDO:0005393, HP:0001997.
Hypertensive disorder. Also called: Hypertension. Identifiers: MedGen C0020538, MONDO:0005044, HP:0000822.
Abnormal foot morphology. Also called: Abnormality of the foot. Identifiers: MedGen C5399834, HP:0001760.
Sensorimotor neuropathy. Identifiers: MedGen C1112256, HP:0007141.
EMG: axonal abnormality. Identifiers: MedGen C4025609, HP:0003482.
Difficulty walking. Identifiers: MedGen C0311394.
DARS2-related disorder. Also called: DARS2-related condition.
Leukoencephalopathy with brain stem and spinal cord involvement-high lactate syndrome (LBSL). Also called: MITOCHONDRIAL ASPARTYL-tRNA SYNTHETASE DEFICIENCY; LEUKOENCEPHALOPATHY WITH BRAINSTEM AND SPINAL CORD INVOLVEMENT AND LACTATE ELEVATION, MILD; Leukoencephalopathy with Brainstem and Spinal Cord Involvement and Lactate Elevation. Identifiers: Orphanet 137898, MedGen C1970180, MONDO:0012622, OMIM 611105.
Gait imbalance. Identifiers: MedGen C1836150, HP:0002141.
Gait ataxia. Identifiers: MedGen C0751837, HP:0002066.
Dysmetria. Identifiers: MedGen C0234162, HP:0001310.

Submissions (10):

Labcorp Genetics (formerly Invitae), Labcorp
Classification: Pathogenic. Last evaluated: 2026-01-26. Review status: criteria provided, single submitter. Criteria: Invitae Variant Classification Sherloc (09022015). Collection method: clinical testing. Allele origin: germline.
Comment: This sequence change falls in intron 2 of the DARS2 gene. It does not directly change the encoded amino acid sequence of the DARS2 protein. This variant is not present in population databases (gnomAD no frequency). This variant has been observed in individuals with leukoencephalopathy (PMID: 17384640). ClinVar contains an entry for this variant (Variation ID: 1057). Studies have shown that this variant alters DARS2 gene expression (PMID: 22023289). For these reasons, this variant has been classified as Pathogenic.

Variantyx, Inc.
Classification: Pathogenic for Leukoencephalopathy with brain stem and spinal cord involvement-high lactate syndrome. Last evaluated: 2025-10-29. Review status: criteria provided, single submitter. Criteria: Variantyx Assertion Criteria 2022. Collection method: clinical testing. Allele origin: germline. Inheritance: Autosomal recessive inheritance.
Comment: This variant in intron 2 of the DARS2 gene has been reported in multiple individuals with autosomal recessive leukoencephalopathy with brain stem and spinal cord involvement and lactate elevation (LBSL), and is considered one of the most common pathogenic variants associated with this disorder (PMID: 17384640, 19592391, 20506600). Functional studies have shown that the c.228-21_228-20delTTinsC variant results in skipping of exon 3 (NM_018122.5), leading to a frameshift and a loss of function allele (p.Arg76Serfs*5). Patients with biallelic pathogenic variants in DARS2 carrying the c.228-21_228-20delTTinsC allele have significantly reduced DARS2 protein expression (PMID: 22023289). Thus, the clinical significance of the c.228-21_228-20delTTinsC variant is interpreted as likely pathogenic for autosomal recessive leukoencephalopathy with brain stem and spinal cord involvement and lactate elevation.

GeneDx
Classification: Pathogenic. Last evaluated: 2025-03-07. Review status: criteria provided, single submitter. Criteria: GeneDx Variant Classification Process June 2021. Collection method: clinical testing. Allele origin: germline. Affected: yes.
Comment: RNA studies demonstrate a damaging effect: skipping of exon 3 particularly in neuronal cells (PMID: 22023289); Not observed at significant frequency in large population cohorts (gnomAD); Also known as 228-20_-21delTTinsC, R76SfsX5; This variant is associated with the following publications: (PMID: 37563224, 24566671, 31912665, 33977142, 33972171, 17384640, 38465286, 22023289, 18619624)

Broad Center for Mendelian Genomics, Broad Institute of MIT and Harvard
Classification: Pathogenic for Leukoencephalopathy with brain stem and spinal cord involvement-high lactate syndrome. Last evaluated: 2025-01-22. Review status: criteria provided, single submitter. Criteria: ACMG Guidelines, 2015. Collection method: curation. Allele origin: germline. Inheritance: Autosomal recessive inheritance.
Comment: The c.228-21_228-20delTTinsC variant in DARS2 has been reported in >10 individuals with leukoencephalopathy with brain stem and spinal cord involvement-high lactate syndrome (PMID: 17384640, 18619624, 24566671, 33977142), and segregated with disease in 5 affected relatives from 5 families (PMID: 24566671). Data from large population studies is insufficient to assess the frequency of this variant. This variant has also been reported in ClinVar (Variation ID: 1057) and has been interpreted as Pathogenic by University Medical Centre Ljubljana, GeneReviews, and OMIM. Of the many affected individuals, 5 were compound heterozygotes that carried a reported pathogenic/likely pathogenic variant in trans, which increases the likelihood that the c.228-21_228-20delTTinsC variant is pathogenic (Variation ID: 503692, 102743, 1059; PMID: 17384640, 24566671). In vitro functional studies provide some evidence that the c.228-21_228-20delTTinsC variant may impact protein function (PMID: 24566671). However these types of assays may not accurately represent biological function. cDNA analysis performed shows that the c.228-21_228-20delTTinsC variant is predicted to lead to exon skipping of exon 3, and is predicted to result in nonsense mediated decay (NMD) (PMID: 17384640). Variants that occur in this intron 2 splice region are known to be leaky, which may explain some variability in phenotype (PMID: 24566671). Loss of function of the DASRS2 gene is an established disease mechanism in autosomal recessive leukoencephalopathy with brain stem and spinal cord involvement-high lactate syndrome. This variant is located in the intron 2 splice region. This region of DARS2 is an established mutational hotspot and most individuals with LBSL have variants in this region (PMID: 24566671). In summary, this variant meets criteria to be classified as pathogenic for autosomal recessive leukoencephalopathy with brain stem and spinal cord involvement-high lactate syndrome. ACMG/AMP Criteria applied: PM3_very-strong, PP1_strong, PVS1_strong, PS3_moderate, PM1_supporting, PM2_supporting (Richards 2015).

Blueprint Genetics
Classification: Pathogenic for DARS2-related disorders. Last evaluated: 2023-08-03. Review status: criteria provided, single submitter. Criteria: ACMG Guidelines, 2015. Collection method: clinical testing. Allele origin: germline. Affected: yes. Observed: 3 variant alleles.

Centre for Mendelian Genomics, University Medical Centre Ljubljana
Classification: Pathogenic for Abnormal foot morphology; CNS demyelination; Cerebral cortical atrophy; Gait disturbance; EMG: axonal abnormality; Gout; Hypertensive disorder; Impaired vibration sensation in the lower limbs; Sensorimotor neuropathy; Clubfoot. Last evaluated: 2017-01-01. Review status: criteria provided, single submitter. Criteria: ACMG Guidelines, 2015. Collection method: clinical testing. Allele origin: unknown. Affected: yes.

Centre for Mendelian Genomics, University Medical Centre Ljubljana
Classification: Pathogenic for Leukoencephalopathy with brain stem and spinal cord involvement-high lactate syndrome. Last evaluated: 2016-01-01. Review status: criteria provided, single submitter. Criteria: ACMG Guidelines, 2015. Collection method: clinical testing. Allele origin: unknown. Affected: yes.
Comment: This variant was classified as: Pathogenic.

Centre for Mendelian Genomics, University Medical Centre Ljubljana
Classification: Pathogenic for Dysmetria; Gait ataxia; Gait imbalance. Last evaluated: 2015-01-15. Review status: criteria provided, single submitter. Criteria: ACMG Guidelines, 2015. Collection method: clinical testing. Allele origin: unknown. Affected: yes.

GeneReviews
Classification: Pathogenic for Leukoencephalopathy with Brainstem and Spinal Cord Involvement and Lactate Elevation. Last evaluated: 2010-05-25. Review status: no assertion criteria provided. Collection method: curation. Allele origin: unknown. Not counted in ClinVar's aggregate classification.
ClinVar note: Converted during submission from pathologic to Pathogenic.

OMIM
Classification: Pathogenic for LEUKOENCEPHALOPATHY WITH BRAINSTEM AND SPINAL CORD INVOLVEMENT AND LACTATE ELEVATION. Last evaluated: 2010-01-01. Review status: no assertion criteria provided. Collection method: literature only. Allele origin: germline. Not counted in ClinVar's aggregate classification.

Literature cited by the submitters: PubMed 17384640 (cited by 3 submitters); PubMed 22023289 (cited by Labcorp Genetics (formerly Invitae), Labcorp and Variantyx, Inc.); PubMed 19592391 (cited by Variantyx, Inc. and OMIM); PubMed 20506600 (cited by Variantyx, Inc.); PubMed 24566671 (cited by Broad Center for Mendelian Genomics, Broad Institute of MIT and Harvard).